The following is an entry in ClinVar:

NM_001142864.4(PIEZO1):c.4285dup (p.Glu1429fs)

Gene: PIEZO1 (piezo type mechanosensitive ion channel component 1 (Er blood group); minus strand). Cytogenetic location: 16q24.3.
Variant type: Duplication.
Coding change: c.4285dup on transcript NM_001142864.4 (MANE Select); coding-DNA position 4285, one base duplicated (G; older notation c.4285dupG).
Protein change: p.Glu1429fs; shifts the reading frame from glutamic acid 1429.
Molecular consequence: frameshift variant.
Genome position (GRCh38, 1-based): chr16:88,723,921, C duplicated on the plus strand (G on the coding strand, the reverse complement: PIEZO1 is on the minus strand); the first of 2 consecutive C bases (chr16:88,723,921-88,723,922); duplicating either gives the same sequence. VCF-style (leftmost placement, unchanged base first): chr16-88723920-T-TC. GRCh37 (hg19) VCF-style: chr16-88790328-T-TC.
Other names: short protein forms E1429fs.
Identifiers: ClinVar variation 4771255 (VCV004771255.1).
Genomic context (GRCh38, chr16:88,723,920, plus strand): 5'-TCCCACCTCACCTGGAAGGCACTCTGTGCCGACGGCCTCGGGTCTTCAGGAACAGCCTCC[T>TC]CCTCTTCCTCACTGTCGGACTCAAACAGGAAGTAGTCCCCGGAGTGGATGACTGTGGGCA-3'

ClinVar aggregate classification (germline): Pathogenic (1 of 4 stars; one submission).

Submission:

Labcorp Genetics (formerly Invitae), Labcorp
Classification: Pathogenic. Last evaluated: 2025-11-19. Review status: criteria provided, single submitter. Criteria: Invitae Variant Classification Sherloc (09022015). Collection method: clinical testing. Allele origin: germline.
Comment: This sequence change creates a premature translational stop signal (p.Glu1429Glyfs*6) in the PIEZO1 gene. It is expected to result in an absent or disrupted protein product. Loss-of-function variants in PIEZO1 are known to be pathogenic (PMID: 26333996). This variant is present in population databases (no rsID available, gnomAD 0.007%). This variant has not been reported in the literature in individuals affected with PIEZO1-related conditions. For these reasons, this variant has been classified as Pathogenic.

Literature cited by the submitters: PubMed 26333996.